The following is an entry in ClinVar:

NM_001375567.1(FOCAD):c.1422C>T (p.Val474=)

Gene: FOCAD (focadhesin; plus strand). Cytogenetic location: 9p21.3.
Variant type: single nucleotide variant.
Coding change: c.1422C>T on transcript NM_001375567.1 (MANE Select); coding-DNA position 1422, C replaced by T.
Protein change: p.Val474=; no amino-acid change (valine 474 retained).
Molecular consequence: synonymous variant.
Genome position (GRCh38, 1-based): chr9:20,789,575, C>T. VCF-style: chr9-20789575-C-T. GRCh37 (hg19) VCF-style: chr9-20789574-C-T.
Other names: c.1422C>T, p.Val474= (NM_001375568.1, NM_017794.5); c.1317C>T, p.Val439= (NM_001375570.1).
Identifiers: ClinVar variation 3051689 (VCV003051689.3), dbSNP rs149404888, ClinGen allele CA5006704.

ClinVar aggregate classification (germline): Likely benign. Review status: criteria provided, single submitter (1 of 4 stars). 2 submissions from 2 submitters: Likely benign (1). 1 of the submissions does not count toward it. Last evaluated 2025-11-01.

Conditions:
FOCAD-related disorder. Also called: FOCAD-related condition.

Allele frequency attached by ClinVar (database versions not stated): ExAC 0.00003; TOPMed 0.00003; gnomAD 0.00005; gnomAD exomes 0.00007; ESP Exome Variant Server 0.00008.
gnomAD v4.1: 104 of 1,613,834 alleles (0.0064%); highest among the groups gnomAD compares: Non-Finnish European, 0.0082%; no homozygotes.

Submissions (2):

Labcorp Genetics (formerly Invitae), Labcorp
Classification: Likely benign. Last evaluated: 2025-11-01. Review status: criteria provided, single submitter. Criteria: Invitae Variant Classification Sherloc (09022015). Collection method: clinical testing. Allele origin: germline.

PreventionGenetics, part of Exact Sciences
Classification: Likely benign for FOCAD-related condition. Last evaluated: 2020-02-14. Review status: no assertion criteria provided. Collection method: clinical testing. Allele origin: germline. Not counted in ClinVar's aggregate classification.
Comment: This variant is classified as likely benign based on ACMG/AMP sequence variant interpretation guidelines (Richards et al. 2015 PMID: 25741868, with internal and published modifications).